The following is an entry in ClinVar:

NM_000548.5(TSC2):c.4613dup (p.Ser1539fs)

Gene: TSC2 (TSC complex subunit 2; plus strand). Cytogenetic location: 16p13.3.
Variant type: Duplication.
Coding change: c.4613dup on transcript NM_000548.5 (MANE Select); coding-DNA position 4613, one base duplicated (C; older notation c.4613dupC).
Protein change: p.Ser1539fs; shifts the reading frame from serine 1539.
Molecular consequence: frameshift variant. On other transcripts: non-coding transcript variant (5).
Genome position (GRCh38, 1-based): chr16:2,085,273, C duplicated; the last of 3 consecutive C bases (chr16:2,085,271-2,085,273); duplicating any one gives the same sequence. VCF-style (leftmost placement, unchanged base first): chr16-2085270-T-TC. GRCh37 (hg19) VCF-style: chr16-2135271-T-TC.
Other names: c.3068dup, p.Ser1024fs (NM_001406696.1, NM_001406697.1, NM_001406695.1); c.2810dup, p.Ser938fs (NM_001406698.1); c.4484dup, p.Ser1496fs (NM_021055.3, NM_001370405.1); c.3881dup, p.Ser1295fs (NM_001318831.2); c.4445dup, p.Ser1483fs (NM_001318832.2); c.4415dup, p.Ser1473fs (NM_001363528.2); c.4481dup, p.Ser1495fs (NM_001370404.1); c.4610dup, p.Ser1538fs (NM_001406663.1); and 26 more; short protein forms S1024fs, S1025fs, S1047fs, S1048fs, S1068fs, S1272fs, S1273fs, S1295fs.
Identifiers: ClinVar variation 3076039 (VCV003076039.1), dbSNP rs2544324324, ClinGen allele CA913188675.
Genomic context (GRCh38, chr16:2,085,270, plus strand): 5'-CAGGGCTCTGTGTGCCACAGTCACAGTCCTTTGAGCGGTCGGTGCAGCTCCTCGACCAGA[T>TC]CCCATCATACGACACCCACAAGATCGCCGTCCTGTATGTTGGAGAAGGCCAGGTGAGGCT-3'

ClinVar aggregate classification (germline): Pathogenic (1 of 4 stars; one submission).

Conditions:
Tuberous sclerosis syndrome (TSC). Also called: Tuberous sclerosis; Tuberous Sclerosis Complex. Identifiers: Orphanet 805, MedGen C0041341, MONDO:0001734.

Submission:

Laboratory for Molecular Medicine, Mass General Brigham Personalized Medicine
Classification: Pathogenic for Tuberous sclerosis syndrome. Last evaluated: 2019-02-01. Review status: criteria provided, single submitter. Criteria: ACMG Guidelines, 2015. Collection method: clinical testing. Allele origin: germline. Inheritance: Autosomal dominant inheritance.
Comment: The p.Ser1539fs variant in TSC2 has not been previously reported in individuals with tuberous sclerosis or in large population studies. This variant is predicted to cause a frameshift, which alters the protein’s amino acid sequence beginning at position 1539 and leads to a premature termination codon 27 amino acids downstream. This alteration is then predicted to lead to a truncated or absent protein. Heterozygous loss of function of the TSC2 gene is an established disease mechanism in individuals with tuberus sclerosis. In summary, this variant meets criteria to be classified as pathogenic for tuberous sclerosis in an autosomal dominant manner based upon the predicted impact to the protein and absence in controls.